The following is an entry in ClinVar:

NM_004082.5(DCTN1):c.2411G>A (p.Arg804Gln)

Gene: DCTN1 (dynactin subunit 1; minus strand). Cytogenetic location: 2p13.1.
Variant type: single nucleotide variant.
Coding change: c.2411G>A on transcript NM_004082.5 (MANE Select); coding-DNA position 2411, G replaced by A.
Protein change: p.Arg804Gln; replaces arginine 804 with glutamine.
Molecular consequence: missense variant. On other transcripts: non-coding transcript variant (1).
Genome position (GRCh38, 1-based): chr2:74,366,838, C>T on the plus strand (G>A on the coding strand, the complement: DCTN1 is on the minus strand). VCF-style: chr2-74366838-C-T. GRCh37 (hg19) VCF-style: chr2-74593965-C-T.
Other names: c.2351G>A, p.Arg784Gln (NM_001135040.3); c.2009G>A, p.Arg670Gln (NM_001135041.3, NM_023019.4); c.2300G>A, p.Arg767Gln (NM_001190836.2); c.2390G>A, p.Arg797Gln (NM_001190837.2); c.2360G>A, p.Arg787Gln (NM_001378991.1); c.2342G>A, p.Arg781Gln (NM_001378992.1); short protein forms R804Q, R670Q, R767Q, R784Q, R797Q, R781Q, R787Q.
Identifiers: ClinVar variation 645944 (VCV000645944.9), dbSNP rs1443384895, ClinGen allele CA347347414.
Genomic context (GRCh38, chr2:74,366,838, plus strand): 5'-TAAACCTGTGGTCCAAAGGCCAGTGCAGCTGGGATCCCAGGAGCATCTGTCCCTGGCATT[C>T]GCCTTCGGATCTTCTTGCAGAACTGGCGGATGTCACTGCATGAAGTTTCCAGATCCCGGA-3'
Protein context (NP_004073.2, residues 794-814): IRQFCKKIRR[Arg804Gln]MPGTDAPGIP

ClinVar aggregate classification (germline): Uncertain significance. Review status: criteria provided, multiple submitters, no conflicts (2 of 4 stars). 2 submissions from 2 submitters: Uncertain significance (2). Last evaluated 2025-12-09.

Conditions:
Inborn genetic diseases. Identifiers: MedGen C0950123, MeSH D030342.
Amyotrophic lateral sclerosis type 1 (ALS1). Also called: AMYOTROPHIC LATERAL SCLEROSIS 1, FAMILIAL. Identifiers: Orphanet 803, MedGen C1862939, MONDO:0007103, OMIM 105400.
Perry syndrome. Also called: PARKINSONISM WITH ALVEOLAR HYPOVENTILATION AND MENTAL DEPRESSION. Identifiers: Orphanet 178509, MedGen C1868594, MONDO:0008201, OMIM 168605.
Neuronopathy, distal hereditary motor, type 7B. Also called: LOWER MOTOR NEURON DISEASE, DYNACTIN TYPE; HMN VIIB; NEURONOPATHY, DISTAL HEREDITARY MOTOR, AUTOSOMAL DOMINANT 14; NEURONOPATHY, DISTAL HEREDITARY MOTOR, HARDING TYPE VIIB; NEUROPATHY, DISTAL HEREDITARY MOTOR, HARDING TYPE VIIB; NEUROPATHY, DISTAL HEREDITARY MOTOR, WITH VOCAL CORD PARALYSIS, HARDING TYPE VIIB. Identifiers: Orphanet 139589, MedGen C1843315, MONDO:0011879, OMIM 607641.

Allele frequency attached by ClinVar (database versions not stated): gnomAD exomes below 0.00001; gnomAD 0.00001.
gnomAD v4.1: 2 of 1,614,152 alleles (0.00012%); highest among the groups gnomAD compares: Non-Finnish European, 0.00017%; no homozygotes.

Submissions (2):

Ambry Genetics
Classification: Uncertain significance for Inborn genetic diseases. Last evaluated: 2025-12-09. Review status: criteria provided, single submitter. Criteria: Ambry Variant Classification Scheme 2023. Collection method: clinical testing. Allele origin: germline.

Labcorp Genetics (formerly Invitae), Labcorp
Classification: Uncertain significance for Amyotrophic lateral sclerosis type 1; Neuronopathy, distal hereditary motor, type 7B; Perry syndrome. Last evaluated: 2023-11-05. Review status: criteria provided, single submitter. Criteria: Invitae Variant Classification Sherloc (09022015). Collection method: clinical testing. Allele origin: germline.
Comment: This sequence change replaces arginine, which is basic and polar, with glutamine, which is neutral and polar, at codon 804 of the DCTN1 protein (p.Arg804Gln). This variant is present in population databases (no rsID available, gnomAD 0.002%). This variant has not been reported in the literature in individuals affected with DCTN1-related conditions. ClinVar contains an entry for this variant (Variation ID: 645944). Advanced modeling of protein sequence and biophysical properties (such as structural, functional, and spatial information, amino acid conservation, physicochemical variation, residue mobility, and thermodynamic stability) has been performed at Invitae for this missense variant, however the output from this modeling did not meet the statistical confidence thresholds required to predict the impact of this variant on DCTN1 protein function. In summary, the available evidence is currently insufficient to determine the role of this variant in disease. Therefore, it has been classified as a Variant of Uncertain Significance.